The following is an entry in ClinVar:

NM_182641.4(BPTF):c.2587G>A (p.Val863Ile)

Gene: BPTF (bromodomain PHD finger transcription factor; plus strand). Cytogenetic location: 17q24.2.
Variant type: single nucleotide variant.
Coding change: c.2587G>A on transcript NM_182641.4 (MANE Select); coding-DNA position 2587, G replaced by A.
Protein change: p.Val863Ile; replaces valine 863 with isoleucine.
Molecular consequence: missense variant.
Genome position (GRCh38, 1-based): chr17:67,903,832, G>A. VCF-style: chr17-67903832-G-A. GRCh37 (hg19) VCF-style: chr17-65899948-G-A.
Other names: c.2965G>A, p.Val989Ile (NM_004459.7); short protein forms V863I, V989I.
Identifiers: ClinVar variation 1907852 (VCV001907852.5), dbSNP rs1201559029, ClinGen allele CA400722032.

ClinVar aggregate classification (germline): Uncertain significance (1 of 4 stars; one submission).

Allele frequency attached by ClinVar (database versions not stated): gnomAD exomes below 0.00001.
gnomAD v4.1: 2 of 1,587,604 alleles (0.00013%); highest among the groups gnomAD compares: Admixed American, 0.0019%; no homozygotes.

Submission:

Labcorp Genetics (formerly Invitae), Labcorp
Classification: Uncertain significance. Last evaluated: 2024-02-26. Review status: criteria provided, single submitter. Criteria: Invitae Variant Classification Sherloc (09022015). Collection method: clinical testing. Allele origin: germline.
Comment: This sequence change replaces valine, which is neutral and non-polar, with isoleucine, which is neutral and non-polar, at codon 989 of the BPTF protein (p.Val989Ile). The frequency data for this variant in the population databases is considered unreliable, as metrics indicate poor data quality at this position in the gnomAD database. This variant has not been reported in the literature in individuals affected with BPTF-related conditions. ClinVar contains an entry for this variant (Variation ID: 1907852). An algorithm developed to predict the effect of missense changes on protein structure and function (PolyPhen-2) suggests that this variant is likely to be tolerated. In summary, the available evidence is currently insufficient to determine the role of this variant in disease. Therefore, it has been classified as a Variant of Uncertain Significance.